The following is an entry in ClinVar:

NM_000380.4(XPA):c.20del (p.Ala7fs)

Gene: XPA (XPA, DNA damage recognition and repair factor; minus strand). Cytogenetic location: 9q22.33.
Variant type: Deletion.
Coding change: c.20del on transcript NM_000380.4 (MANE Select); coding-DNA position 20, one base deleted (C; older notation c.20delC).
Protein change: p.Ala7fs; shifts the reading frame from alanine 7.
Molecular consequence: frameshift variant. On other transcripts: 5 prime UTR variant (1), non-coding transcript variant (5).
Genome position (GRCh38, 1-based): chr9:97,697,273, G deleted on the plus strand (C on the coding strand, the reverse complement: XPA is on the minus strand). VCF-style (leftmost placement, unchanged base first): chr9-97697272-AG-A. GRCh37 (hg19) VCF-style: chr9-100459554-AG-A.
Other names: c.-1130del (NM_001354975.2); short protein forms A7fs.
Identifiers: ClinVar variation 1386503 (VCV001386503.6), dbSNP rs2131411756, ClinGen allele CA2573144801.
Genomic context (GRCh38, chr9:97,697,272, plus strand): 5'-ACTCGCCCGCACCGAGGCAGGCAGCTCCGCGGGTTGCTCTAAAGCCGCCGCCTCCGGCAA[AG>A]CCCCGTCGGCCGCCGCCATCTCTGGCCCACTCCGAGGACCTAGCTCCCAGCTCCACGCAC-3'

ClinVar aggregate classification (germline): Pathogenic (1 of 4 stars; one submission).

Submission:

Labcorp Genetics (formerly Invitae), Labcorp
Classification: Pathogenic. Last evaluated: 2023-03-11. Review status: criteria provided, single submitter. Criteria: Invitae Variant Classification Sherloc (09022015). Collection method: clinical testing. Allele origin: germline.
Comment: For these reasons, this variant has been classified as Pathogenic. ClinVar contains an entry for this variant (Variation ID: 1386503). This variant has not been reported in the literature in individuals affected with XPA-related conditions. This variant is not present in population databases (gnomAD no frequency). This sequence change creates a premature translational stop signal (p.Ala7Valfs*8) in the XPA gene. It is expected to result in an absent or disrupted protein product. Loss-of-function variants in XPA are known to be pathogenic (PMID: 27607234).

Literature cited by the submitters: PubMed 27607234.